The following is an entry in ClinVar:

NM_000632.4(ITGAM):c.1463G>A (p.Gly488Glu)

Gene: ITGAM (integrin subunit alpha M; plus strand). Cytogenetic location: 16p11.2.
Variant type: single nucleotide variant.
Coding change: c.1463G>A on transcript NM_000632.4 (MANE Select); coding-DNA position 1463, G replaced by A.
Protein change: p.Gly488Glu; replaces glycine 488 with glutamic acid.
Molecular consequence: missense variant.
Genome position (GRCh38, 1-based): chr16:31,297,620, G>A. VCF-style: chr16-31297620-G-A. GRCh37 (hg19) VCF-style: chr16-31308941-G-A.
Other names: c.1463G>A, p.Gly488Glu (NM_001145808.2); short protein forms G488E.
Identifiers: ClinVar variation 4773893 (VCV004773893.1).

ClinVar aggregate classification (germline): Uncertain significance (1 of 4 stars; one submission).

gnomAD v4.1: 17 of 1,613,410 alleles (0.0011%); highest among the groups gnomAD compares: Non-Finnish European, 0.0014%; no homozygotes.

Submission:

Labcorp Genetics (formerly Invitae), Labcorp
Classification: Uncertain significance. Last evaluated: 2025-05-14. Review status: criteria provided, single submitter. Criteria: Invitae Variant Classification Sherloc (09022015). Collection method: clinical testing. Allele origin: germline.
Comment: This sequence change replaces glycine, which is neutral and non-polar, with glutamic acid, which is acidic and polar, at codon 488 of the ITGAM protein (p.Gly488Glu). This variant is not present in population databases (gnomAD no frequency). This variant has not been reported in the literature in individuals affected with ITGAM-related conditions. An algorithm developed to predict the effect of missense changes on protein structure and function (PolyPhen-2) suggests that this variant is likely to be disruptive. In summary, the available evidence is currently insufficient to determine the role of this variant in disease. Therefore, it has been classified as a Variant of Uncertain Significance.